The following is an entry in ClinVar:

ClinVar aggregate classification (germline): Uncertain significance (1 of 4 stars; one submission).

Allele frequency attached by ClinVar (database versions not stated): gnomAD exomes 0.00001; ExAC 0.00004.
gnomAD v4.1: 4 of 1,530,480 alleles (0.00026%); highest among the groups gnomAD compares: Non-Finnish European, 0.00035%; no homozygotes.

Submission:

Labcorp Genetics (formerly Invitae), Labcorp
Classification: Uncertain significance. Last evaluated: 2022-07-06. Review status: criteria provided, single submitter. Criteria: Invitae Variant Classification Sherloc (09022015). Collection method: clinical testing. Allele origin: germline.
Comment: In summary, the available evidence is currently insufficient to determine the role of this variant in disease. Therefore, it has been classified as a Variant of Uncertain Significance. Algorithms developed to predict the effect of missense changes on protein structure and function (SIFT, PolyPhen-2, Align-GVGD) all suggest that this variant is likely to be disruptive. ClinVar contains an entry for this variant (Variation ID: 1429365). This variant has not been reported in the literature in individuals affected with HMX1-related conditions. The frequency data for this variant in the population databases is considered unreliable, as metrics indicate poor data quality at this position in the gnomAD database. This sequence change replaces arginine, which is basic and polar, with histidine, which is basic and polar, at codon 254 of the HMX1 protein (p.Arg254His).

NM_018942.3(HMX1):c.761G>A (p.Arg254His)

Gene: HMX1 (H6 family homeobox 1; minus strand). Cytogenetic location: 4p16.1.
Variant type: single nucleotide variant.
Coding change: c.761G>A on transcript NM_018942.3 (MANE Select); coding-DNA position 761, G replaced by A.
Protein change: p.Arg254His; replaces arginine 254 with histidine.
Molecular consequence: missense variant. On other transcripts: intron variant (1).
Genome position (GRCh38, 1-based): chr4:8,867,979, C>T on the plus strand (G>A on the coding strand, the complement: HMX1 is on the minus strand). VCF-style: chr4-8867979-C-T. GRCh37 (hg19) VCF-style: chr4-8869705-C-T.
Other names: c.394+3242G>A (NM_001306142.2); short protein forms R254H.
Identifiers: ClinVar variation 1429365 (VCV001429365.8), dbSNP rs757272203, ClinGen allele CA2854269.